The following is an entry in ClinVar:

ClinVar aggregate classification (germline): Uncertain significance (1 of 4 stars; one submission).

Allele frequency attached by ClinVar (database versions not stated): TOPMed below 0.00001; gnomAD 0.00001; gnomAD exomes 0.00001; ExAC 0.00002; 1000 Genomes Project 30x 0.00016; 1000 Genomes Project 0.00020.

Submission:

Labcorp Genetics (formerly Invitae), Labcorp
Classification: Uncertain significance. Last evaluated: 2022-08-20. Review status: criteria provided, single submitter. Criteria: Invitae Variant Classification Sherloc (09022015). Collection method: clinical testing. Allele origin: germline.
Comment: This sequence change replaces arginine, which is basic and polar, with threonine, which is neutral and polar, at codon 146 of the NARS2 protein (p.Arg146Thr). This variant is present in population databases (rs547336970, gnomAD 0.01%). This variant has not been reported in the literature in individuals affected with NARS2-related conditions. Algorithms developed to predict the effect of missense changes on protein structure and function are either unavailable or do not agree on the potential impact of this missense change (SIFT: "Deleterious"; PolyPhen-2: "Probably Damaging"; Align-GVGD: "Class C0"). In summary, the available evidence is currently insufficient to determine the role of this variant in disease. Therefore, it has been classified as a Variant of Uncertain Significance.

NM_024678.6(NARS2):c.437G>C (p.Arg146Thr)

Gene: NARS2 (asparaginyl-tRNA synthetase 2, mitochondrial; minus strand). Cytogenetic location: 11q14.1.
Variant type: single nucleotide variant.
Coding change: c.437G>C on transcript NM_024678.6 (MANE Select); coding-DNA position 437, G replaced by C.
Protein change: p.Arg146Thr; replaces arginine 146 with threonine.
Molecular consequence: missense variant. On other transcripts: 5 prime UTR variant (1).
Genome position (GRCh38, 1-based): chr11:78,566,208, C>G on the plus strand (G>C on the coding strand, the complement: NARS2 is on the minus strand). VCF-style: chr11-78566208-C-G. GRCh37 (hg19) VCF-style: chr11-78277254-C-G.
Other names: c.-245G>C (NM_001243251.2); short protein forms R146T.
Identifiers: ClinVar variation 2095476 (VCV002095476.1), dbSNP rs547336970, ClinGen allele CA6205847.